The following is an entry in ClinVar:

NM_000169.3(GLA):c.764_766del (p.Asp255del)

Genes: GLA (galactosidase alpha; minus strand), RPL36A-HNRNPH2 (RPL36A-HNRNPH2 readthrough; plus strand). Cytogenetic location: Xq22.1.
Variant type: Deletion.
Coding change: c.764_766del on transcript NM_000169.3 (MANE Select); coding-DNA positions 764 to 766, 3 bases deleted (ATG; older notation c.764_766delATG).
Protein change: p.Asp255del; deletes aspartic acid 255.
Molecular consequence: inframe deletion. On other transcripts: non-coding transcript variant (3), intron variant (2).
Genome position (GRCh38, 1-based): chrX:101,398,820-101,398,822, CAT deleted on the plus strand (ATG on the coding strand, the reverse complement: GLA is on the minus strand); deleting any 3 consecutive bases within chrX:101,398,820-101,398,824 gives the same sequence; the c. name uses the placement nearest the transcript's 3' end. VCF-style (leftmost placement, unchanged base first): chrX-101398819-ACAT-A. GRCh37 (hg19) VCF-style: chrX-100653807-ACAT-A.
Other names: c.887_889del, p.Asp296del (NM_001406747.1); c.764_766del, p.Asp255del (NM_001406748.1); c.300+3365_300+3367del (NM_001199973.2); c.177+7000_177+7002del (NM_001199974.2); short protein forms D255del, D296del.
Identifiers: ClinVar variation 4087122 (VCV004087122.2).

ClinVar aggregate classification (germline): Uncertain significance (1 of 4 stars; one submission).

Conditions:
Fabry disease. Also called: ALPHA-GALACTOSIDASE A DEFICIENCY; ANDERSON-FABRY DISEASE; CERAMIDE TRIHEXOSIDASE DEFICIENCY; GLA DEFICIENCY; HEREDITARY DYSTOPIC LIPIDOSIS; Angiokeratoma corporis diffusum. Identifiers: Orphanet 324, MedGen C0002986, MONDO:0010526, OMIM 301500, HP:0001071. Disease mechanism: Fabry disease is due to inactivating mutations in the X-linked GLA gene resulting in deficiency of the enzyme Alpha Galactosidase-A., loss of function.

Submission:

Genomenon, Inc
Classification: Uncertain significance for Fabry disease. Last evaluated: 2026-09-08. Review status: criteria provided, single submitter. Criteria: Genomenon Sequence Variant Interpretation Standards - Updated. Collection method: curation. Allele origin: germline. Affected: yes.
Comment: GLA p.Asp255del (c.764_766del) is an in-frame deletion that results in the loss of Aspartic acid at codon 255. This variant has been observed in at least one proband with clinical features consistent with Fabry disease (PMID:30988410;40692291). It is absent or not present at a significant frequency in gnomAD. In conclusion, we classify GLA p.Asp255del (c.764_766del) as a variant of uncertain significance.

Literature cited by the submitters: PubMed 30988410; PubMed 40692291.